The following is an entry in ClinVar:

ClinVar aggregate classification (germline): Likely benign. Review status: criteria provided, single submitter (1 of 4 stars). 2 submissions from 2 submitters: Likely benign (1). 1 of the submissions does not count toward it. Last evaluated 2023-12-11.

Conditions:
PAX2-Related Disorder. Also called: PAX2-related disorders. Identifiers: MedGen CN381309.

Allele frequency attached by ClinVar (database versions not stated): ExAC 0.00002; gnomAD 0.00002; gnomAD exomes 0.00002; TOPMed 0.00002.
gnomAD v4.1: 26 of 1,377,836 alleles (0.0019%); highest among the groups gnomAD compares: Non-Finnish European, 0.0024%; no homozygotes.

Submissions (2):

Blueprint Genetics
Classification: Likely benign. Last evaluated: 2023-12-11. Review status: criteria provided, single submitter. Criteria: ACMG Guidelines, 2015. Collection method: clinical testing. Allele origin: germline.

PreventionGenetics, part of Exact Sciences
Classification: Likely benign for PAX2-related condition. Last evaluated: 2020-11-08. Review status: no assertion criteria provided. Collection method: clinical testing. Allele origin: germline. Not counted in ClinVar's aggregate classification.
Comment: This variant is classified as likely benign based on ACMG/AMP sequence variant interpretation guidelines (Richards et al. 2015 PMID: 25741868, with internal and published modifications).

NM_000278.5(PAX2):c.616+5568T>C

Genes: PAX2 (paired box 2; plus strand), LOC110120845 (VISTA enhancer hs229; plus strand). Cytogenetic location: 10q24.31.
Variant type: single nucleotide variant.
Coding change: c.616+5568T>C on transcript NM_000278.5 (MANE Select); 5568 bases into the intron after coding-DNA position 616, T replaced by C.
Molecular consequence: intron variant.
Genome position (GRCh38, 1-based): chr10:100,786,933, T>C. VCF-style: chr10-100786933-T-C. GRCh37 (hg19) VCF-style: chr10-102546690-T-C.
Other names: c.709+5568T>C (NM_001304569.2); c.617-10T>C (NM_003987.5, NM_003990.5); c.616+5568T>C (NM_003988.5, NM_003989.5).
Identifiers: ClinVar variation 3032426 (VCV003032426.3), dbSNP rs750327699, ClinGen allele CA5650791.